The following is an entry in ClinVar:

NM_078470.6(COX15):c.*1156G>A

Gene: COX15 (cytochrome c oxidase assembly homolog COX15; minus strand). Cytogenetic location: 10q24.2.
Variant type: single nucleotide variant.
Coding change: c.*1156G>A on transcript NM_078470.6 (MANE Select); 1156 bases downstream of the stop codon, G replaced by A.
Molecular consequence: 3 prime UTR variant. On other transcripts: missense variant (1), non-coding transcript variant (1), intron variant (1).
Genome position (GRCh38, 1-based): chr10:99,713,431, C>T on the plus strand (G>A on the coding strand, the complement: COX15 is on the minus strand). VCF-style: chr10-99713431-C-T. GRCh37 (hg19) VCF-style: chr10-101473188-C-T.
Other names: c.*1337G>A (NM_001320975.2); c.*1156G>A (NM_001320976.2, NM_001372025.1, NM_001372026.1); c.*375G>A (NM_001372024.1); c.*1260G>A (NM_001372027.1); c.*583G>A (NM_001372028.1); c.1150G>A, p.Gly384Ser (NM_004376.7); c.1101+2917G>A (NM_001320974.2); short protein forms G384S.
Identifiers: ClinVar variation 1516179 (VCV001516179.5), dbSNP rs1435005100, ClinGen allele CA378101073.
Genomic context (GRCh38, chr10:99,713,431, plus strand): 5'-GTCATCTATTATATTAGCAATATTGGGTTGCTCCATCCTCAAATCAGATGTTTCTGATGC[C>T]TTCATCCAAATCACTGATTTTAAAAGTAAAGTTGAATAAGACAGGGCCCTATGAAATATC-3'

ClinVar aggregate classification (germline): Uncertain significance (1 of 4 stars; one submission).

Allele frequency attached by ClinVar (database versions not stated): gnomAD exomes below 0.00001 and 0.00001.
gnomAD v4.1: 7 of 1,613,916 alleles (0.00043%); highest among the groups gnomAD compares: South Asian, 0.0055%; no homozygotes.

Submission:

Labcorp Genetics (formerly Invitae), Labcorp
Classification: Uncertain significance. Last evaluated: 2022-08-09. Review status: criteria provided, single submitter. Criteria: Invitae Variant Classification Sherloc (09022015). Collection method: clinical testing. Allele origin: germline.
Comment: This sequence change replaces glycine, which is neutral and non-polar, with serine, which is neutral and polar, at codon 384 of the COX15 protein (p.Gly384Ser). This variant is present in population databases (no rsID available, gnomAD 0.003%). This variant has not been reported in the literature in individuals affected with COX15-related conditions. ClinVar contains an entry for this variant (Variation ID: 1516179). Algorithms developed to predict the effect of missense changes on protein structure and function are either unavailable or do not agree on the potential impact of this missense change (SIFT: "Not Available"; PolyPhen-2: "Benign"; Align-GVGD: "Not Available"). In summary, the available evidence is currently insufficient to determine the role of this variant in disease. Therefore, it has been classified as a Variant of Uncertain Significance.